The following is an entry in ClinVar:

ClinVar aggregate classification (germline): Uncertain significance (1 of 4 stars; one submission).

Conditions:
Charcot-Marie-Tooth disease type 2B (CMT2B). Also called: CHARCOT-MARIE-TOOTH DISEASE, AUTOSOMAL DOMINANT, TYPE 2B; HEREDITARY MOTOR AND SENSORY NEUROPATHY IIB; Charcot-Marie-Tooth Neuropathy Type 2B; CHARCOT-MARIE-TOOTH DISEASE, AXONAL, TYPE 2B. Identifiers: Orphanet 99936, MedGen C1833219, MONDO:0010949, OMIM 600882.

Submission:

Labcorp Genetics (formerly Invitae), Labcorp
Classification: Uncertain significance for Charcot-Marie-Tooth disease, axonal, type 2b. Last evaluated: 2018-10-25. Review status: criteria provided, single submitter. Criteria: Invitae Variant Classification Sherloc (09022015). Collection method: clinical testing. Allele origin: germline.
Comment: This variant results in a copy number gain of the genomic region encompassing the full coding sequence of the RAB7A gene. The boundaries of this event are unknown as they extend beyond the assayed region for this gene and therefore may encompass additional genes. As the precise location of this event is unknown, it may be in tandem or it may be located elsewhere in the genome. This variant has not been reported in the literature in individuals with RAB7A-related disease. In summary, the available evidence is currently insufficient to determine the role of this variant in disease. Therefore, it has been classified as a Variant of Uncertain Significance.

NC_000003.11:g.(?_128514201)_(128631967_?)dup

Genes: RAB7A (RAB7A, member RAS oncogene family; plus strand), MIR12124 (microRNA 12124; plus strand), ACAD9 (acyl-CoA dehydrogenase family member 9; plus strand), ACAD9-DT (ACAD9 divergent transcript; minus strand), CFAP92 (cilia and flagella associated protein 92 (putative); minus strand) and 5 more. Cytogenetic location: 3q21.3.
Variant type: Duplication.
Identifiers: ClinVar variation 665056 (VCV000665056.1).